The following is an entry in ClinVar:

ClinVar aggregate classification (germline): Uncertain significance (1 of 4 stars; one submission).

Allele frequency attached by ClinVar (database versions not stated): gnomAD exomes below 0.00001.
gnomAD v4.1: 4 of 1,594,180 alleles (0.00025%); highest among the groups gnomAD compares: Non-Finnish European, 0.00034%; no homozygotes.

Submission:

Ambry Genetics
Classification: Uncertain significance. Last evaluated: 2020-11-24. Review status: criteria provided, single submitter. Criteria: Ambry Variant Classification Scheme 2023. Collection method: clinical testing. Allele origin: germline.
Comment: The p.G644D variant (also known as c.1931G>A), located in coding exon 14 of the FBXO38 gene, results from a G to A substitution at nucleotide position 1931. The glycine at codon 644 is replaced by aspartic acid, an amino acid with similar properties. This amino acid position is highly conserved in available vertebrate species. In addition, the in silico prediction for this alteration is inconclusive. Since supporting evidence is limited at this time, the clinical significance of this alteration remains unclear.

NM_205836.3(FBXO38):c.1931G>A (p.Gly644Asp)

Gene: FBXO38 (F-box protein 38; plus strand). Cytogenetic location: 5q32.
Variant type: single nucleotide variant.
Coding change: c.1931G>A on transcript NM_205836.3 (MANE Select); coding-DNA position 1931, G replaced by A.
Protein change: p.Gly644Asp; replaces glycine 644 with aspartic acid.
Molecular consequence: missense variant. On other transcripts: intron variant (1).
Genome position (GRCh38, 1-based): chr5:148,427,225, G>A. VCF-style: chr5-148427225-G-A. GRCh37 (hg19) VCF-style: chr5-147806788-G-A.
Other names: c.1931G>A, p.Gly644Asp (NM_030793.5); c.1918+1524G>A (NM_001271723.2); short protein forms G644D.
Identifiers: ClinVar variation 1782895 (VCV001782895.2), dbSNP rs2531809233, ClinGen allele CA361656140.
Genomic context (GRCh38, chr5:148,427,225, plus strand): 5'-CTGAAATCTTTTCTTTTCCTCGGGCCGTTCTTCTTTTTCTATAAGCAGTAAGTGGAAAAG[G>A]CAAGACTCCACTTCGAAAGAGGTACAACTCCCATCAGATGGGCCAGTCGAAGCAGTTTCC-3'
Protein context (NP_995308.1, residues 634-654): QSRELSVSGK[Gly644Asp]KTPLRKRYNS